The following is an entry in ClinVar:

ClinVar aggregate classification (germline): Uncertain significance (1 of 4 stars; one submission).

Allele frequency attached by ClinVar (database versions not stated): gnomAD exomes 0.00001; TOPMed 0.00002; gnomAD 0.00003.
gnomAD v4.1: 8 of 1,612,782 alleles (0.0005%); highest among the groups gnomAD compares: African/African-American, 0.0067%; no homozygotes.

Submission:

Labcorp Genetics (formerly Invitae), Labcorp
Classification: Uncertain significance. Last evaluated: 2021-08-27. Review status: criteria provided, single submitter. Criteria: Invitae Variant Classification Sherloc (09022015). Collection method: clinical testing. Allele origin: germline.
Comment: This sequence change replaces leucine with phenylalanine at codon 586 of the OCA2 protein (p.Leu586Phe). The leucine residue is highly conserved and there is a small physicochemical difference between leucine and phenylalanine. This variant is not present in population databases (ExAC no frequency). This variant has not been reported in the literature in individuals affected with OCA2-related conditions. Advanced modeling of protein sequence and biophysical properties (such as structural, functional, and spatial information, amino acid conservation, physicochemical variation, residue mobility, and thermodynamic stability) performed at Invitae indicates that this missense variant is expected to disrupt OCA2 protein function. In summary, the available evidence is currently insufficient to determine the role of this variant in disease. Therefore, it has been classified as a Variant of Uncertain Significance.

NM_000275.3(OCA2):c.1756C>T (p.Leu586Phe)

Gene: OCA2 (OCA2 melanosomal transmembrane protein; minus strand). Cytogenetic location: 15q13.1.
Variant type: single nucleotide variant.
Coding change: c.1756C>T on transcript NM_000275.3 (MANE Select); coding-DNA position 1756, C replaced by T.
Protein change: p.Leu586Phe; replaces leucine 586 with phenylalanine.
Molecular consequence: missense variant.
Genome position (GRCh38, 1-based): chr15:27,957,616, G>A on the plus strand (C>T on the coding strand, the complement: OCA2 is on the minus strand). VCF-style: chr15-27957616-G-A. GRCh37 (hg19) VCF-style: chr15-28202762-G-A.
Other names: c.1684C>T, p.Leu562Phe (NM_001300984.2); short protein forms L586F, L562F.
Identifiers: ClinVar variation 1498703 (VCV001498703.5), dbSNP rs918693810, ClinGen allele CA267883618.